The following is an entry in ClinVar:

NM_006904.7(PRKDC):c.77G>C (p.Gly26Ala)

Genes: PRKDC (protein kinase, DNA-activated, catalytic subunit; minus strand), LOC129929030 (ATAC-STARR-seq lymphoblastoid silent region 19177; plus strand). Cytogenetic location: 8q11.21.
Variant type: single nucleotide variant.
Coding change: c.77G>C on transcript NM_006904.7 (MANE Select); coding-DNA position 77, G replaced by C.
Protein change: p.Gly26Ala; replaces glycine 26 with alanine.
Molecular consequence: missense variant.
Genome position (GRCh38, 1-based): chr8:47,960,050, C>G on the plus strand (G>C on the coding strand, the complement: PRKDC is on the minus strand). VCF-style: chr8-47960050-C-G. GRCh37 (hg19) VCF-style: chr8-48872610-C-G.
Other names: c.77G>C, p.Gly26Ala (NM_001081640.2); short protein forms G26A.
Identifiers: ClinVar variation 1760689 (VCV001760689.2), dbSNP rs989625761, ClinGen allele CA176153836.

ClinVar aggregate classification (germline): Uncertain significance (1 of 4 stars; one submission).

gnomAD v4.1: 2 of 1,532,544 alleles (0.00013%); highest among the groups gnomAD compares: Admixed American, 0.0039%; no homozygotes.

Submission:

Ambry Genetics
Classification: Uncertain significance. Last evaluated: 2022-03-20. Review status: criteria provided, single submitter. Criteria: Ambry Variant Classification Scheme 2023. Collection method: clinical testing. Allele origin: germline.
Comment: The p.G26A variant (also known as c.77G>C), located in coding exon 1 of the PRKDC gene, results from a G to C substitution at nucleotide position 77. The glycine at codon 26 is replaced by alanine, an amino acid with similar properties. This amino acid position is conserved. In addition, this alteration is predicted to be tolerated by in silico analysis. Since supporting evidence is limited at this time, the clinical significance of this alteration remains unclear.